The following is an entry in ClinVar:

NM_001172509.2(SATB2):c.700G>A (p.Val234Met)

Gene: SATB2 (SATB homeobox 2; minus strand). Cytogenetic location: 2q33.1.
Variant type: single nucleotide variant.
Coding change: c.700G>A on transcript NM_001172509.2 (MANE Select); coding-DNA position 700, G replaced by A.
Protein change: p.Val234Met; replaces valine 234 with methionine.
Molecular consequence: missense variant.
Genome position (GRCh38, 1-based): chr2:199,368,605, C>T on the plus strand (G>A on the coding strand, the complement: SATB2 is on the minus strand). VCF-style: chr2-199368605-C-T. GRCh37 (hg19) VCF-style: chr2-200233328-C-T.
Other names: c.700G>A, p.Val234Met (NM_001172517.1, NM_015265.4); short protein forms V234M.
Identifiers: ClinVar variation 1709408 (VCV001709408.2), dbSNP rs2468928472, ClinGen allele CA350387101.

ClinVar aggregate classification (germline): Likely pathogenic (1 of 4 stars; one submission).

Conditions:
Chromosome 2q32-q33 deletion syndrome (GLASS). Also called: Glass syndrome; 2q33.1 deletion syndrome. Identifiers: Orphanet 251019, MedGen C2676739, MONDO:0012864, OMIM 612313.

Submission:

MGZ Medical Genetics Center
Classification: Likely pathogenic for Chromosome 2q32-q33 deletion syndrome. Last evaluated: 2021-11-16. Review status: criteria provided, single submitter. Criteria: ACMG Guidelines, 2015. Collection method: clinical testing. Allele origin: germline. Affected: yes. Observed: 1 variant allele.
Comment: ACMG criteria applied: PS2, PM2_SUP, PP3